The following is an entry in ClinVar:

ClinVar aggregate classification (germline): Benign/Likely benign. Review status: criteria provided, multiple submitters, no conflicts (2 of 4 stars). 9 submissions from 8 submitters: Benign (3); Likely benign (6). Last evaluated 2025-12-15.

Conditions:
Ehlers-Danlos syndrome, classic type, 1 (EDSCL1). Also called: EHLERS-DANLOS SYNDROME, GRAVIS TYPE; EHLERS-DANLOS SYNDROME, SEVERE CLASSIC TYPE; Ehlers-Danlos syndrome, type 1; Ehlers-Danlos Syndrome, Classic Type, COL5A1-Related; EDS I. Identifiers: MedGen C0268335, MONDO:0019567, OMIM 130000.
Fibromuscular dysplasia, multifocal. Identifiers: MedGen C5543412, MONDO:0859151, OMIM 619329.
Ehlers-Danlos syndrome (EDS). Identifiers: Orphanet 98249, MedGen C0013720, MONDO:0020066.
Familial thoracic aortic aneurysm and aortic dissection (TAAD). Also called: Thoracic aortic aneurysms and dissections. Identifiers: Orphanet 91387, MedGen C4707243, MONDO:0019625.

Allele frequency attached by ClinVar (database versions not stated): gnomAD 0.00004 and 0.00005; ExAC 0.00006; gnomAD exomes 0.00006; ESP Exome Variant Server 0.00008; TOPMed 0.00008.
gnomAD v4.1: 96 of 1,613,876 alleles (0.0059%); highest among the groups gnomAD compares: Middle Eastern, 0.099%; 1 homozygote.

Submissions (9):

Labcorp Genetics (formerly Invitae), Labcorp
Classification: Likely benign for Ehlers-Danlos syndrome, classic type, 1. Last evaluated: 2025-12-15. Review status: criteria provided, single submitter. Criteria: Invitae Variant Classification Sherloc (09022015). Collection method: clinical testing. Allele origin: germline.

Blueprint Genetics
Classification: Likely benign. Last evaluated: 2024-11-20. Review status: criteria provided, single submitter. Criteria: ACMG Guidelines, 2015. Collection method: clinical testing. Allele origin: germline.

Genome-Nilou Lab
Classification: Benign for Ehlers-Danlos syndrome, classic type, 1. Last evaluated: 2022-03-15. Review status: criteria provided, single submitter. Criteria: ACMG Guidelines, 2015. Collection method: clinical testing. Allele origin: germline. Affected: no.

Genome-Nilou Lab
Classification: Benign for Fibromuscular dysplasia, multifocal. Last evaluated: 2022-03-15. Review status: criteria provided, single submitter. Criteria: ACMG Guidelines, 2015. Collection method: clinical testing. Allele origin: germline. Affected: no.

Genome Diagnostics Laboratory, The Hospital for Sick Children
Classification: Likely benign for Ehlers-Danlos syndrome. Last evaluated: 2018-12-01. Review status: criteria provided, single submitter. Criteria: ACMG Guidelines, 2015. Collection method: clinical testing. Allele origin: germline.

Ambry Genetics
Classification: Likely benign for Familial thoracic aortic aneurysm and aortic dissection. Last evaluated: 2016-04-21. Review status: criteria provided, single submitter. Criteria: Ambry Variant Classification Scheme 2023. Collection method: clinical testing. Allele origin: germline.

GeneDx
Classification: Benign. Last evaluated: 2015-06-04. Review status: criteria provided, single submitter. Criteria: GeneDx Variant Classification (06012015). Collection method: clinical testing. Allele origin: germline. Affected: yes.
Comment: This variant is considered likely benign or benign based on one or more of the following criteria: it is a conservative change, it occurs at a poorly conserved position in the protein, it is predicted to be benign by multiple in silico algorithms, and/or has population frequency not consistent with disease.

Breakthrough Genomics
Classification: Likely benign. Review status: criteria provided, single submitter. Criteria: ACMG Guidelines, 2015. Collection method: not provided. Allele origin: germline. Inheritance: Autosomal dominant inheritance. Affected: yes.

PreventionGenetics, part of Exact Sciences
Classification: Likely benign. Review status: criteria provided, single submitter. Criteria: ACMG Guidelines, 2015. Collection method: clinical testing. Allele origin: germline.

NM_000093.5(COL5A1):c.2310T>A (p.Pro770=)

Gene: COL5A1 (collagen type V alpha 1 chain; plus strand). Cytogenetic location: 9q34.3.
Variant type: single nucleotide variant.
Coding change: c.2310T>A on transcript NM_000093.5 (MANE Select); coding-DNA position 2310, T replaced by A.
Protein change: p.Pro770=; no amino-acid change (proline 770 retained).
Molecular consequence: synonymous variant.
Genome position (GRCh38, 1-based): chr9:134,772,813, T>A. VCF-style: chr9-134772813-T-A. GRCh37 (hg19) VCF-style: chr9-137664659-T-A.
Other names: p.P770P:CCT>CCA; c.2310T>A, p.Pro770= (NM_001278074.1).
Identifiers: ClinVar variation 212893 (VCV000212893.24), dbSNP rs377123592, ClinGen allele CA324411.
Genomic context (GRCh38, chr9:134,772,813, plus strand): 5'-TGGCACTGACTAATCAATGCTTCTTCTTTTGTGACAGGGACACCCTGGCAAAGAAGGCCC[T>A]CCAGGAGAGAAAGGAGGTCAGGTGGGTGCTCGCCACGCCCTCCTACCCTTCAGCATCCAG-3'
Protein context (NP_000084.3, residues 760-780): GPPGHPGKEG[Pro770=]PGEKGGQGPP